The following is an entry in ClinVar:

NM_000051.4(ATM):c.2275A>T (p.Ser759Cys)

Gene: ATM (ATM serine/threonine kinase; plus strand). Cytogenetic location: 11q22.3.
Variant type: single nucleotide variant.
Coding change: c.2275A>T on transcript NM_000051.4 (MANE Select); coding-DNA position 2275, A replaced by T.
Protein change: p.Ser759Cys; replaces serine 759 with cysteine.
Molecular consequence: missense variant.
Genome position (GRCh38, 1-based): chr11:108,257,505, A>T. VCF-style: chr11-108257505-A-T. GRCh37 (hg19) VCF-style: chr11-108128232-A-T.
Other names: c.2275A>T, p.Ser759Cys (NM_001351834.2); short protein forms S759C.
Identifiers: ClinVar variation 2816366 (VCV002816366.3), dbSNP rs148705269, ClinGen allele CA382539640.

ClinVar aggregate classification (germline): Uncertain significance (1 of 4 stars; one submission).

Conditions:
Ataxia-telangiectasia syndrome (AT). Also called: ATAXIA-TELANGIECTASIA, COMPLEMENTATION GROUP A; Ataxia telangiectasia (A-T); Cerebello-oculocutaneous telangiectasia; Immunodeficiency with ataxia telangiectasia; LOUIS-BAR SYNDROME; ATAXIA-TELANGIECTASIA, FRESNO VARIANT. Identifiers: Orphanet 100, MedGen C0004135, MONDO:0008840, OMIM 208900.

Submission:

Labcorp Genetics (formerly Invitae), Labcorp
Classification: Uncertain significance for Ataxia-telangiectasia syndrome. Last evaluated: 2022-11-24. Review status: criteria provided, single submitter. Criteria: Invitae Variant Classification Sherloc (09022015). Collection method: clinical testing. Allele origin: germline.
Comment: Algorithms developed to predict the effect of missense changes on protein structure and function (SIFT, PolyPhen-2, Align-GVGD) all suggest that this variant is likely to be tolerated. In summary, the available evidence is currently insufficient to determine the role of this variant in disease. Therefore, it has been classified as a Variant of Uncertain Significance. This variant has not been reported in the literature in individuals affected with ATM-related conditions. This variant is not present in population databases (gnomAD no frequency). This sequence change replaces serine, which is neutral and polar, with cysteine, which is neutral and slightly polar, at codon 759 of the ATM protein (p.Ser759Cys).